The following is an entry in ClinVar:

NM_000535.7(PMS2):c.243A>G (p.Glu81=)

Gene: PMS2 (PMS1 homolog 2, mismatch repair system component; minus strand). Cytogenetic location: 7p22.1.
Variant type: single nucleotide variant.
Coding change: c.243A>G on transcript NM_000535.7 (MANE Select); coding-DNA position 243, A replaced by G.
Protein change: p.Glu81=; no amino-acid change (glutamic acid 81 retained).
Molecular consequence: synonymous variant. On other transcripts: 5 prime UTR variant (9), missense variant (2), non-coding transcript variant (1).
Genome position (GRCh38, 1-based): chr7:6,003,979, T>C on the plus strand (A>G on the coding strand, the complement: PMS2 is on the minus strand). VCF-style: chr7-6003979-T-C. GRCh37 (hg19) VCF-style: chr7-6043610-T-C.
Other names: c.-163A>G (NM_001322003.2, NM_001322004.2, NM_001322005.2 and 3 more transcripts); c.243A>G, p.Glu81= (NM_001322006.2, NM_001322014.2); c.28A>G, p.Arg10Gly (NM_001322007.2, NM_001322008.2); c.-642A>G (NM_001322011.2, NM_001322012.2); c.-242A>G (NM_001322015.2); c.28A>G (NM_001322007.1); short protein forms R10G.
Identifiers: ClinVar variation 383968 (VCV000383968.24), dbSNP rs1057521802, ClinGen allele CA16605255.

ClinVar aggregate classification (germline): Benign/Likely benign. Review status: criteria provided, multiple submitters, no conflicts (2 of 4 stars). 9 submissions from 9 submitters: Benign (1); Likely benign (8). Last evaluated 2025-08-13.

Conditions:
Hereditary nonpolyposis colorectal neoplasms. Identifiers: MedGen C0009405, MeSH D003123.
PMS2-related disorder. Also called: PMS2-related condition.
Hereditary cancer-predisposing syndrome. Also called: Neoplastic Syndromes, Hereditary; Tumor predisposition; Hereditary Cancer Syndrome; Hereditary neoplastic syndrome. Identifiers: Orphanet 140162, MedGen C0027672, MeSH D009386, MONDO:0015356.
Lynch syndrome. Identifiers: Orphanet 144, MedGen C4552100, MONDO:0005835. Disease mechanism: loss of function.
Lynch syndrome 4 (LYNCH4). Also called: Colorectal cancer, hereditary nonpolyposis, type 4; Hereditary non-polyposis colorectal cancer, type 4. Identifiers: Orphanet 144, MedGen C1838333, MONDO:0013699, OMIM 614337. Disease mechanism: loss of function.

Allele frequency attached by ClinVar (database versions not stated): gnomAD 0.00001; gnomAD exomes 0.00001; TOPMed 0.00003.
gnomAD v4.1: 14 of 1,591,328 alleles (0.00088%); highest among the groups gnomAD compares: African/African-American, 0.0013%; no homozygotes.

Submissions (9):

Labcorp Genetics (formerly Invitae), Labcorp
Classification: Likely benign for Hereditary nonpolyposis colorectal neoplasms. Last evaluated: 2025-08-13. Review status: criteria provided, single submitter. Criteria: Invitae Variant Classification Sherloc (09022015). Collection method: clinical testing. Allele origin: germline.

PreventionGenetics, part of Exact Sciences
Classification: Likely benign for PMS2-related condition. Last evaluated: 2025-06-16. Review status: criteria provided, single submitter. Criteria: ACMG Guidelines, 2015. Collection method: clinical testing. Allele origin: germline.
Comment: This variant is classified as likely benign based on ACMG/AMP sequence variant interpretation guidelines (Richards et al. 2015 PMID: 25741868, with internal and published modifications).

Myriad Genetics, Inc.
Classification: Benign for Lynch syndrome 4. Last evaluated: 2025-01-23. Review status: criteria provided, single submitter. Criteria: Myriad Autosomal Dominant, Autosomal Recessive and X-Linked Classification Criteria (2023). Collection method: clinical testing. Allele origin: unknown.
Comment: This variant is considered benign. This variant is a silent/synonymous amino acid change and it is not expected to impact splicing.

All of Us Research Program, National Institutes of Health
Classification: Likely benign for Lynch syndrome. Last evaluated: 2024-08-23. Review status: criteria provided, single submitter. Criteria: ACMG Guidelines, 2015. Collection method: clinical testing. Allele origin: germline. Inheritance: Autosomal dominant inheritance. Observed: 2 variant alleles, 2 heterozygotes.
Comment: This study involves interpretation of variants in research participants for the purpose of population health screening. Participant phenotype was not available at the time of variant classification. Additional details can be found in publication PMID: 35346344, PMCID: PMC8962531

Sema4
Classification: Likely benign for Hereditary cancer-predisposing syndrome. Last evaluated: 2021-05-20. Review status: criteria provided, single submitter. Criteria: Sema4 Curation Guidelines. Collection method: curation. Allele origin: germline.

Women's Health and Genetics/Laboratory Corporation of America, LabCorp
Classification: Likely benign. Last evaluated: 2019-08-29. Review status: criteria provided, single submitter. Criteria: LabCorp Variant Classification Summary - May 2015. Collection method: clinical testing. Allele origin: germline.

Color Diagnostics, LLC DBA Color Health
Classification: Likely benign for Hereditary cancer-predisposing syndrome. Last evaluated: 2019-01-02. Review status: criteria provided, single submitter. Criteria: ACMG Guidelines, 2015. Collection method: clinical testing. Allele origin: germline.

Ambry Genetics
Classification: Likely benign for Hereditary cancer-predisposing syndrome. Last evaluated: 2016-11-02. Review status: criteria provided, single submitter. Criteria: Ambry Variant Classification Scheme 2023. Collection method: clinical testing. Allele origin: germline.

GeneDx
Classification: Likely benign. Last evaluated: 2016-02-18. Review status: criteria provided, single submitter. Criteria: GeneDx Variant Classification (06012015). Collection method: clinical testing. Allele origin: germline. Affected: yes.
Comment: This variant is considered likely benign or benign based on one or more of the following criteria: it is a conservative change, it occurs at a poorly conserved position in the protein, it is predicted to be benign by multiple in silico algorithms, and/or has population frequency not consistent with disease.